The following is an entry in ClinVar:

NM_001142800.2(EYS):c.6446C>A (p.Ser2149Tyr)

Gene: EYS (eyes shut homolog; minus strand). Cytogenetic location: 6q12.
Variant type: single nucleotide variant.
Coding change: c.6446C>A on transcript NM_001142800.2 (MANE Select); coding-DNA position 6446, C replaced by A.
Protein change: p.Ser2149Tyr; replaces serine 2149 with tyrosine.
Molecular consequence: missense variant.
Genome position (GRCh38, 1-based): chr6:64,081,981, G>T on the plus strand (C>A on the coding strand, the complement: EYS is on the minus strand). VCF-style: chr6-64081981-G-T. GRCh37 (hg19) VCF-style: chr6-64791874-G-T.
Other names: c.6446C>A, p.Ser2149Tyr (NM_001292009.2); short protein forms S2149Y.
Identifiers: ClinVar variation 991109 (VCV000991109.4), dbSNP rs537922564, ClinGen allele CA140278477.
Genomic context (GRCh38, chr6:64,081,981, plus strand): 5'-TGTTCCTTCTCCAGGACAAACTTCAAAAAGGGCAGTTCTAAATAGGAATTCCCATTGAAA[G>T]ATGGAAAGAATAAACCTGCATCTAAAAAAGAAAATGGTATTAATATGTTCTGATAGCATT-3'
Protein context (NP_001136272.1, residues 2139-2159): CEKDAGLFFP[Ser2149Tyr]FNGNSYLELP

ClinVar aggregate classification (germline): Uncertain significance. Review status: criteria provided, multiple submitters, no conflicts (2 of 4 stars). 3 submissions from 3 submitters: Uncertain significance (2). 1 of the submissions does not count toward it. Last evaluated 2022-04-28.

Conditions:
Autosomal recessive retinitis pigmentosa. Identifiers: MedGen C0339526.
Retinitis pigmentosa 25 (RP25). Identifiers: Orphanet 791, MedGen C1864446, MONDO:0011272, OMIM 602772.

Allele frequency attached by ClinVar (database versions not stated): gnomAD 0.00001; gnomAD exomes 0.00001; 1000 Genomes Project 0.00020; 1000 Genomes Project 30x 0.00031.
gnomAD v4.1: 5 of 1,543,078 alleles (0.00032%); highest among the groups gnomAD compares: Middle Eastern, 0.034%; no homozygotes.

Submissions (3):

Fulgent Genetics
Classification: Uncertain significance for Retinitis pigmentosa 25. Last evaluated: 2022-04-28. Review status: criteria provided, single submitter. Criteria: ACMG Guidelines, 2015. Collection method: clinical testing. Allele origin: unknown.

Labcorp Genetics (formerly Invitae), Labcorp
Classification: Uncertain significance. Last evaluated: 2021-09-24. Review status: criteria provided, single submitter. Criteria: Invitae Variant Classification Sherloc (09022015). Collection method: clinical testing. Allele origin: germline.
Comment: This sequence change replaces serine with tyrosine at codon 2149 of the EYS protein (p.Ser2149Tyr). The serine residue is highly conserved and there is a large physicochemical difference between serine and tyrosine. This variant is not present in population databases (ExAC no frequency). This variant has not been reported in the literature in individuals with EYS-related conditions. Algorithms developed to predict the effect of missense changes on protein structure and function output the following: SIFT: "Deleterious"; PolyPhen-2: "Benign"; Align-GVGD: "Class C65". The tyrosine amino acid residue is found in multiple mammalian species, suggesting that this missense change does not adversely affect protein function. These predictions have not been confirmed by published functional studies and their clinical significance is uncertain. In summary, the available evidence is currently insufficient to determine the role of this variant in disease. Therefore, it has been classified as a Variant of Uncertain Significance.

Natera, Inc.
Classification: Uncertain significance for Autosomal recessive retinitis pigmentosa. Last evaluated: 2020-09-08. Review status: no assertion criteria provided. Collection method: clinical testing. Allele origin: germline. Not counted in ClinVar's aggregate classification.